The following is an entry in ClinVar:

ClinVar aggregate classification (germline): Uncertain significance (1 of 4 stars; one submission).

gnomAD v4.1: 2 of 1,614,062 alleles (0.00012%); highest among the groups gnomAD compares: Non-Finnish European, 0.00017%; no homozygotes.

Submission:

Labcorp Genetics (formerly Invitae), Labcorp
Classification: Uncertain significance. Last evaluated: 2025-03-05. Review status: criteria provided, single submitter. Criteria: Invitae Variant Classification Sherloc (09022015). Collection method: clinical testing. Allele origin: germline.
Comment: This sequence change replaces valine, which is neutral and non-polar, with alanine, which is neutral and non-polar, at codon 421 of the MYH3 protein (p.Val421Ala). This variant is not present in population databases (gnomAD no frequency). This variant has not been reported in the literature in individuals affected with MYH3-related conditions. An algorithm developed to predict the effect of missense changes on protein structure and function (PolyPhen-2) suggests that this variant is likely to be disruptive. Algorithms developed to predict the effect of sequence changes on RNA splicing suggest that this variant may disrupt the consensus splice site. In summary, the available evidence is currently insufficient to determine the role of this variant in disease. Therefore, it has been classified as a Variant of Uncertain Significance.

NM_002470.4(MYH3):c.1262T>C (p.Val421Ala)

Gene: MYH3 (myosin heavy chain 3; minus strand). Cytogenetic location: 17p13.1.
Variant type: single nucleotide variant.
Coding change: c.1262T>C on transcript NM_002470.4 (MANE Select); coding-DNA position 1262, T replaced by C.
Protein change: p.Val421Ala; replaces valine 421 with alanine.
Molecular consequence: missense variant.
Genome position (GRCh38, 1-based): chr17:10,644,499, A>G on the plus strand (T>C on the coding strand, the complement: MYH3 is on the minus strand). VCF-style: chr17-10644499-A-G. GRCh37 (hg19) VCF-style: chr17-10547816-A-G.
Other names: short protein forms V421A.
Identifiers: ClinVar variation 4713968 (VCV004713968.1).